The following is an entry in ClinVar:

NM_001037333.3(CYFIP2):c.1900C>T (p.Arg634Ter)

Gene: CYFIP2 (cytoplasmic FMR1 interacting protein 2; plus strand). Cytogenetic location: 5q33.3.
Variant type: single nucleotide variant.
Coding change: c.1900C>T on transcript NM_001037333.3 (MANE Select); coding-DNA position 1900, C replaced by T.
Protein change: p.Arg634Ter; replaces arginine 634 with a stop codon.
Molecular consequence: nonsense.
Genome position (GRCh38, 1-based): chr5:157,325,556, C>T. VCF-style: chr5-157325556-C-T. GRCh37 (hg19) VCF-style: chr5-156752564-C-T.
Other names: c.1822C>T, p.Arg608Ter (NM_001291721.2); c.1975C>T, p.Arg659Ter (NM_001291722.2); c.1900C>T, p.Arg634Ter (NM_014376.4); short protein forms R608*, R634*, R659*.
Identifiers: ClinVar variation 1676788 (VCV001676788.5), dbSNP rs2113139233, ClinGen allele CA361970210.

ClinVar aggregate classification (germline): Uncertain significance (1 of 4 stars; one submission).

Submission:

Centre of Medical Genetics, University Hospital Muenster
Classification: Uncertain significance. Last evaluated: 2023-01-27. Review status: criteria provided, single submitter. Criteria: ACMG Guidelines, 2015. Collection method: clinical testing. Allele origin: unknown. Affected: yes. Observed: 1 variant allele, 1 heterozygote.
Comment: ACMG categories: PVS1